The following is an entry in ClinVar:

NM_000465.4(BARD1):c.1918C>T (p.Leu640=)

Gene: BARD1 (BRCA1 associated RING domain 1; minus strand). Cytogenetic location: 2q35.
Variant type: single nucleotide variant.
Coding change: c.1918C>T on transcript NM_000465.4 (MANE Select); coding-DNA position 1918, C replaced by T.
Protein change: p.Leu640=; no amino-acid change (leucine 640 retained).
Molecular consequence: synonymous variant. On other transcripts: non-coding transcript variant (3).
Genome position (GRCh38, 1-based): chr2:214,730,494, G>A on the plus strand (C>T on the coding strand, the complement: BARD1 is on the minus strand). VCF-style: chr2-214730494-G-A. GRCh37 (hg19) VCF-style: chr2-215595218-G-A.
Other names: c.1861C>T, p.Leu621= (NM_001282543.2); c.565C>T, p.Leu189= (NM_001282545.2); c.508C>T, p.Leu170= (NM_001282548.2); c.379C>T, p.Leu127= (NM_001282549.2).
Identifiers: ClinVar variation 1144920 (VCV001144920.13), dbSNP rs1553612535, ClinGen allele CA431139682.

ClinVar aggregate classification (germline): Benign/Likely benign. Review status: criteria provided, multiple submitters, no conflicts (2 of 4 stars). 3 submissions from 3 submitters: Benign (1); Likely benign (2). Last evaluated 2024-07-29.

Conditions:
Hereditary cancer-predisposing syndrome. Also called: Hereditary neoplastic syndrome; Neoplastic Syndromes, Hereditary; Tumor predisposition; Hereditary Cancer Syndrome. Identifiers: Orphanet 140162, MedGen C0027672, MeSH D009386, MONDO:0015356.
Familial cancer of breast. Also called: hereditary breast carcinoma; BREAST CANCER, FAMILIAL; Hereditary breast cancer. Identifiers: Orphanet 227535, MedGen C0346153, MONDO:0016419, OMIM 114480. Disease mechanism: loss of function.

Submissions (3):

Myriad Genetics, Inc.
Classification: Benign for Familial cancer of breast. Last evaluated: 2024-07-29. Review status: criteria provided, single submitter. Criteria: Myriad Autosomal Dominant, Autosomal Recessive and X-Linked Classification Criteria (2023). Collection method: clinical testing. Allele origin: unknown.
Comment: This variant is considered benign. This variant is a silent/synonymous amino acid change and it is not expected to impact splicing.

Labcorp Genetics (formerly Invitae), Labcorp
Classification: Likely benign for Familial cancer of breast. Last evaluated: 2023-07-25. Review status: criteria provided, single submitter. Criteria: Invitae Variant Classification Sherloc (09022015). Collection method: clinical testing. Allele origin: germline.

Ambry Genetics
Classification: Likely benign for Hereditary cancer-predisposing syndrome. Last evaluated: 2020-12-21. Review status: criteria provided, single submitter. Criteria: Ambry Variant Classification Scheme 2023. Collection method: clinical testing. Allele origin: germline.